The following is an entry in ClinVar:

ClinVar aggregate classification (germline): Uncertain significance (1 of 4 stars; one submission).

Submission:

GeneDx
Classification: Uncertain significance. Last evaluated: 2019-08-28. Review status: criteria provided, single submitter. Criteria: GeneDx Variant Classification Process June 2021. Collection method: clinical testing. Allele origin: germline. Affected: yes.
Comment: Not observed in large population cohorts (Lek et al., 2016); Splice site variant expected to result in aberrant splicing, though splice outcome is unknown; Has not been previously published as pathogenic or benign to our knowledge

NM_002972.4(SBF1):c.1203+5G>A

Gene: SBF1 (SET binding factor 1; minus strand). Cytogenetic location: 22q13.33.
Variant type: single nucleotide variant.
Coding change: c.1203+5G>A on transcript NM_002972.4 (MANE Select); 5 bases into the intron after coding-DNA position 1203, G replaced by A.
Molecular consequence: intron variant.
Genome position (GRCh38, 1-based): chr22:50,465,210, C>T on the plus strand (G>A on the coding strand, the complement: SBF1 is on the minus strand). VCF-style: chr22-50465210-C-T. GRCh37 (hg19) VCF-style: chr22-50903639-C-T.
Other names: c.1206+5G>A (NM_001365819.1).
Identifiers: ClinVar variation 1308074 (VCV001308074.2), dbSNP rs2067696243, ClinGen allele CA2410870424.